The following is an entry in ClinVar:

ClinVar aggregate classification (germline): Likely pathogenic (1 of 4 stars; one submission).

Submission:

Labcorp Genetics (formerly Invitae), Labcorp
Classification: Likely pathogenic. Last evaluated: 2022-04-24. Review status: criteria provided, single submitter. Criteria: Invitae Variant Classification Sherloc (09022015). Collection method: clinical testing. Allele origin: germline.
Comment: This variant disrupts the p.Arg2008 amino acid residue in COL7A1. Other variant(s) that disrupt this residue have been determined to be pathogenic (PMID: 9326325, 10084325, 10504458, 11698408, 18450758). This suggests that this residue is clinically significant, and that variants that disrupt this residue are likely to be disease-causing. In summary, the currently available evidence indicates that the variant is pathogenic, but additional data are needed to prove that conclusively. Therefore, this variant has been classified as Likely Pathogenic. This variant is not present in population databases (gnomAD no frequency). Advanced modeling of protein sequence and biophysical properties (such as structural, functional, and spatial information, amino acid conservation, physicochemical variation, residue mobility, and thermodynamic stability) performed at Invitae indicates that this missense variant is expected to disrupt COL7A1 protein function. This variant has not been reported in the literature in individuals affected with COL7A1-related conditions. This sequence change replaces arginine, which is basic and polar, with proline, which is neutral and non-polar, at codon 2008 of the COL7A1 protein (p.Arg2008Pro).

Literature cited by the submitters: PubMed 9326325; PubMed 10084325; PubMed 10504458; PubMed 11698408; PubMed 18450758.

NM_000094.4(COL7A1):c.6023G>C (p.Arg2008Pro)

Gene: COL7A1 (collagen type VII alpha 1 chain; minus strand). Cytogenetic location: 3p21.31.
Variant type: single nucleotide variant.
Coding change: c.6023G>C on transcript NM_000094.4 (MANE Select); coding-DNA position 6023, G replaced by C.
Protein change: p.Arg2008Pro; replaces arginine 2008 with proline.
Molecular consequence: missense variant.
Genome position (GRCh38, 1-based): chr3:48,575,496, C>G on the plus strand (G>C on the coding strand, the complement: COL7A1 is on the minus strand). VCF-style: chr3-48575496-C-G. GRCh37 (hg19) VCF-style: chr3-48612929-C-G.
Other names: short protein forms R2008P.
Identifiers: ClinVar variation 2130206 (VCV002130206.4), dbSNP rs1002845719, ClinGen allele CA352663815.
Genomic context (GRCh38, chr3:48,575,496, plus strand): 5'-CCGGGGGGGCCCCTCTCCCCAAGGGCCAGACCAGGTGGCCCCTGAGGGCCAGGGTCTCCA[C>G]GGTCGCCCTTCAGCCCGCGTTCTCCAGGAAAGCCGATGGGGCCCTGCAGGAGTGGAAGAG-3'
Protein context (NP_000085.1, residues 1998-2018): FPGERGLKGD[Arg2008Pro]GDPGPQGPPG